The following is an entry in ClinVar:

NM_006231.4(POLE):c.38C>T (p.Pro13Leu)

Genes: POLE (DNA polymerase epsilon, catalytic subunit; minus strand), LOC130009266 (ATAC-STARR-seq lymphoblastoid silent region 5123; plus strand). Cytogenetic location: 12q24.33.
Variant type: single nucleotide variant.
Coding change: c.38C>T on transcript NM_006231.4 (MANE Select); coding-DNA position 38, C replaced by T.
Protein change: p.Pro13Leu; replaces proline 13 with leucine.
Molecular consequence: missense variant.
Genome position (GRCh38, 1-based): chr12:132,687,278, G>A on the plus strand (C>T on the coding strand, the complement: POLE is on the minus strand). VCF-style: chr12-132687278-G-A. GRCh37 (hg19) VCF-style: chr12-133263864-G-A.
Other names: short protein forms P13L.
Identifiers: ClinVar variation 240488 (VCV000240488.12), dbSNP rs878854865, ClinGen allele CA10583036.

ClinVar aggregate classification (germline): Conflicting classifications of pathogenicity. Review status: criteria provided, conflicting classifications (1 of 4 stars). 4 submissions from 4 submitters: Uncertain significance (3); Likely benign (1). Last evaluated 2025-11-23.

Conditions:
Hereditary cancer-predisposing syndrome. Also called: Tumor predisposition; Neoplastic Syndromes, Hereditary; Hereditary Cancer Syndrome; Hereditary neoplastic syndrome. Identifiers: Orphanet 140162, MedGen C0027672, MeSH D009386, MONDO:0015356.

Submissions (4):

Labcorp Genetics (formerly Invitae), Labcorp
Classification: Uncertain significance. Last evaluated: 2025-11-23. Review status: criteria provided, single submitter. Criteria: Invitae Variant Classification Sherloc (09022015). Collection method: clinical testing. Allele origin: germline.
Comment: This sequence change replaces proline, which is neutral and non-polar, with leucine, which is neutral and non-polar, at codon 13 of the POLE protein (p.Pro13Leu). This variant is not present in population databases (gnomAD no frequency). This variant has not been reported in the literature in individuals affected with POLE-related conditions. ClinVar contains an entry for this variant (Variation ID: 240488). An algorithm developed to predict the effect of missense changes on protein structure and function outputs the following: PolyPhen-2: "Benign". The leucine amino acid residue is found in multiple mammalian species, which suggests that this missense change does not adversely affect protein function. In summary, the available evidence is currently insufficient to determine the role of this variant in disease. Therefore, it has been classified as a Variant of Uncertain Significance.

Ambry Genetics
Classification: Likely benign for Hereditary cancer-predisposing syndrome. Last evaluated: 2025-11-19. Review status: criteria provided, single submitter. Criteria: Ambry Variant Classification Scheme 2023. Collection method: clinical testing. Allele origin: germline.

GeneDx
Classification: Uncertain significance. Last evaluated: 2025-04-07. Review status: criteria provided, single submitter. Criteria: GeneDx Variant Classification Process June 2021. Collection method: clinical testing. Allele origin: germline. Affected: yes.
Comment: Not observed at significant frequency in large population cohorts (gnomAD); In silico analysis indicates that this missense variant does not alter protein structure/function; Has not been previously published as pathogenic or benign to our knowledge

Revvity Omics, Revvity
Classification: Uncertain significance. Last evaluated: 2019-10-25. Review status: criteria provided, single submitter. Criteria: ACMG Guidelines, 2015. Collection method: clinical testing. Allele origin: germline.